The following is an entry in ClinVar:

NM_000219.6(KCNE1):c.204C>T (p.Ser68=)

Gene: KCNE1 (potassium voltage-gated channel subfamily E regulatory subunit 1; minus strand). Cytogenetic location: 21q22.12.
Variant type: single nucleotide variant.
Coding change: c.204C>T on transcript NM_000219.6 (MANE Select); coding-DNA position 204, C replaced by T.
Protein change: p.Ser68=; no amino-acid change (serine 68 retained).
Molecular consequence: synonymous variant.
Genome position (GRCh38, 1-based): chr21:34,449,431, G>A on the plus strand (C>T on the coding strand, the complement: KCNE1 is on the minus strand). VCF-style: chr21-34449431-G-A. GRCh37 (hg19) VCF-style: chr21-35821729-G-A.
Other names: c.204C>T, p.Ser68= (NM_001270402.3, NM_001270403.2, NM_001270404.3 and 4 more transcripts).
Identifiers: ClinVar variation 3374325 (VCV003374325.2).

Conditions:
Long QT syndrome 5 (LQT5). Identifiers: Orphanet 101016, Orphanet 768, MedGen C1867904, MONDO:0013372, OMIM 613695.

Submission:

Roden Lab, Vanderbilt University Medical Center
No classification provided (evidence only). Condition: Long QT syndrome 5. Review status: no classification provided. Collection method: in vitro. Allele origin: not applicable. Functional consequence: Effect on ion channel function.
ClinVar note: "not provided" was previously submitted as the classification for the variant. However, the classification appeared to be based only on an observation of functional data so it was converted to no classification on 2025-07-30.